The following is an entry in ClinVar:

NM_002519.3(NPAT):c.3043G>A (p.Gly1015Ser)

Gene: NPAT (nuclear protein, coactivator of histone transcription; minus strand). Cytogenetic location: 11q22.3.
Variant type: single nucleotide variant.
Coding change: c.3043G>A on transcript NM_002519.3 (MANE Select); coding-DNA position 3043, G replaced by A.
Protein change: p.Gly1015Ser; replaces glycine 1015 with serine.
Molecular consequence: missense variant.
Genome position (GRCh38, 1-based): chr11:108,162,148, C>T on the plus strand (G>A on the coding strand, the complement: NPAT is on the minus strand). VCF-style: chr11-108162148-C-T. GRCh37 (hg19) VCF-style: chr11-108032875-C-T.
Other names: c.3043G>A, p.Gly1015Ser (NM_001321307.1); short protein forms G1015S.
Identifiers: ClinVar variation 2041511 (VCV002041511.4), dbSNP rs199936135, ClinGen allele CA6263673.

ClinVar aggregate classification (germline): Uncertain significance (1 of 4 stars; one submission).

Allele frequency attached by ClinVar (database versions not stated): 1000 Genomes Project 0.00040; 1000 Genomes Project 30x 0.00047; gnomAD 0.00060; TOPMed 0.00065; ExAC 0.00099; gnomAD exomes 0.00108; ESP Exome Variant Server 0.00110.
gnomAD v4.1: 1,673 of 1,613,998 alleles (0.1%); highest among the groups gnomAD compares: Non-Finnish European, 0.13%; no homozygotes.

Submission:

Labcorp Genetics (formerly Invitae), Labcorp
Classification: Uncertain significance. Last evaluated: 2026-01-14. Review status: criteria provided, single submitter. Criteria: Invitae Variant Classification Sherloc (09022015). Collection method: clinical testing. Allele origin: germline.
Comment: This sequence change replaces glycine, which is neutral and non-polar, with serine, which is neutral and polar, at codon 1015 of the NPAT protein (p.Gly1015Ser). This variant is present in population databases (rs199936135, gnomAD 0.1%), and has an allele count higher than expected for a pathogenic variant. This variant has not been reported in the literature in individuals affected with NPAT-related conditions. ClinVar contains an entry for this variant (Variation ID: 2041511). An algorithm developed to predict the effect of missense changes on protein structure and function outputs the following: PolyPhen-2: "Benign". The serine amino acid residue is found in multiple mammalian species, which suggests that this missense change does not adversely affect protein function. In summary, the available evidence is currently insufficient to determine the role of this variant in disease. Therefore, it has been classified as a Variant of Uncertain Significance.